The following is an entry in ClinVar:

ClinVar aggregate classification (germline): Uncertain significance (1 of 4 stars; one submission).

Conditions:
Inborn genetic diseases. Identifiers: MedGen C0950123, MeSH D030342.

gnomAD v4.1: 9 of 1,525,784 alleles (0.00059%); highest among the groups gnomAD compares: African/African-American, 0.0083%; no homozygotes.

Submission:

Ambry Genetics
Classification: Uncertain significance for Inborn genetic diseases. Last evaluated: 2025-03-13. Review status: criteria provided, single submitter. Criteria: Ambry Variant Classification Scheme 2023. Collection method: clinical testing. Allele origin: germline.
Comment: The c.-20C>G variant is located in the 5' untranslated region (5&rsquo; UTR) of the WT1 gene. This variant results from a C to G substitution 20 bases upstream from the first translated codon. This nucleotide position is highly conserved in available vertebrate species. Based on the available evidence, the clinical significance of this variant remains unclear.

NM_024426.6(WT1):c.-5C>G

Genes: WT1 (WT1 transcription factor; minus strand), LOC107982234 (WT1/WT1-AS bi-directional promoter region; plus strand). Cytogenetic location: 11p13.
Variant type: single nucleotide variant.
Coding change: c.-5C>G on transcript NM_024426.6 (MANE Select); 5 bases upstream of the start codon, C replaced by G.
Molecular consequence: 5 prime UTR variant. On other transcripts: non-coding transcript variant (2).
Genome position (GRCh38, 1-based): chr11:32,435,365, G>C on the plus strand (C>G on the coding strand, the complement: WT1 is on the minus strand). VCF-style: chr11-32435365-G-C. GRCh37 (hg19) VCF-style: chr11-32456911-G-C.
Other names: c.-5C>G (NM_000378.6, NM_001407044.1, NM_001407045.1 and 6 more transcripts); c.-224C>G (NM_001429031.1, NM_001429032.1, NM_001429033.1 and 1 more transcripts).
Identifiers: ClinVar variation 3817469 (VCV003817469.1).